The following is an entry in ClinVar:

NM_000143.4(FH):c.1237-3A>C

Gene: FH (fumarate hydratase; minus strand). Cytogenetic location: 1q43.
Variant type: single nucleotide variant.
Coding change: c.1237-3A>C on transcript NM_000143.4 (MANE Select); 3 bases into the intron before coding-DNA position 1237, A replaced by C.
Molecular consequence: intron variant.
Genome position (GRCh38, 1-based): chr1:241,500,593, T>G on the plus strand (A>C on the coding strand, the complement: FH is on the minus strand). VCF-style: chr1-241500593-T-G. GRCh37 (hg19) VCF-style: chr1-241663893-T-G.
Other names: c.1237-3A>C (NM_000143.3).
Identifiers: ClinVar variation 3773002 (VCV003773002.2).
Genomic context (GRCh38, chr1:241,500,593, plus strand): 5'-CTGTAAAGGAAACTGAAGCATCCCCCAGCAGCCTGGCTGAGTGTAACACATTTTTAATCT[T>G]TGAGTGAGTGAGAGAGAGAGAGAGAGAGAGAGAGAGAGAGAGAGAGACATTACTAAGGCA-3'

ClinVar aggregate classification (germline): Conflicting classifications of pathogenicity. Review status: criteria provided, conflicting classifications (1 of 4 stars). 2 submissions from 2 submitters: Uncertain significance (1); Likely benign (1). Last evaluated 2026-02-06.

Conditions:
Hereditary cancer-predisposing syndrome. Also called: Neoplastic Syndromes, Hereditary; Tumor predisposition; Hereditary Cancer Syndrome; Hereditary neoplastic syndrome. Identifiers: Orphanet 140162, MedGen C0027672, MeSH D009386, MONDO:0015356.
Hereditary leiomyomatosis and renal cell cancer. Also called: MULTIPLE CUTANEOUS AND UTERINE LEIOMYOMATA 1, WITH OR WITHOUT RENAL CELL CARCINOMA; LEIOMYOMA, MULTIPLE CUTANEOUS; FH tumor predisposition syndrome; Reed syndrome; Multiple cutaneous and uterine leiomyomatosis; Cutaneous leiomyomata with uterine leiomyomata. Identifiers: Orphanet 523, MedGen C1708350, MONDO:0007888, OMIM 150800, HP:0007437. Disease mechanism: loss of function.

Submissions (2):

Ambry Genetics
Classification: Uncertain significance for Hereditary cancer-predisposing syndrome. Last evaluated: 2026-02-06. Review status: criteria provided, single submitter. Criteria: Ambry Variant Classification Scheme 2023. Collection method: clinical testing. Allele origin: germline.
Comment: The c.1237-3A>C intronic variant results from an A to C substitution 3 nucleotides upstream from coding exon 9 in the FH gene. This nucleotide position is not well conserved in available vertebrate species. In silico splice site analysis predicts that this alteration will not have any significant effect on splicing. Based on the available evidence, the clinical significance of this variant remains unclear.

Myriad Genetics, Inc.
Classification: Likely benign for Hereditary leiomyomatosis and renal cell cancer. Last evaluated: 2024-10-21. Review status: criteria provided, single submitter. Criteria: Myriad Autosomal Dominant, Autosomal Recessive and X-Linked Classification Criteria (2023). Collection method: clinical testing. Allele origin: unknown.
Comment: This variant is considered likely benign. This variant is intronic and is not expected to impact mRNA splicing.